The following is an entry in ClinVar:

NM_000062.3(SERPING1):c.865CTC[1] (p.Leu290del)

Gene: SERPING1 (serpin family G member 1; plus strand). Cytogenetic location: 11q12.1.
Variant type: Microsatellite.
Coding change: c.865CTC[1] on transcript NM_000062.3 (MANE Select); one copy of the 3-base unit CTC starting at c.865; the reference has two copies in a row; one copy, 3 bases deleted; also written c.868_870del.
Protein change: p.Leu290del; deletes leucine 290.
Genome position (GRCh38, 1-based): chr11:57,606,192-57,606,194, CTC deleted; deleting any 3 consecutive bases within chr11:57,606,187-57,606,194 gives the same sequence; the position shown is the placement nearest the transcript's 3' end. VCF-style (leftmost placement, unchanged base first): chr11-57606186-GTCC-G. GRCh37 (hg19) VCF-style: chr11-57373659-GTCC-G.
Other names: c.865CTC[1], p.Leu290del (NM_001032295.2); c.868_870del (NM_000062.3); short protein forms L290del.
Identifiers: ClinVar variation 3338004 (VCV003338004.2).

ClinVar aggregate classification (germline): Pathogenic (1 of 4 stars; one submission).

Conditions:
Hereditary angioedema type 1 (HAE1). Identifiers: Orphanet 100050, Orphanet 100051, Orphanet 91378, MedGen C2717906, MONDO:0015053, OMIM 106100.

Submission:

DNA-diagnostics Laboratory, Research Centre For Medical Genetics
Classification: Pathogenic for Hereditary angioedema type 1. Last evaluated: 2024-08-16. Review status: criteria provided, single submitter. Criteria: ACMG Guidelines, 2015. Collection method: research. Allele origin: germline. Inheritance: Autosomal dominant inheritance. Affected: yes. Observed: 3 variant alleles, 3 heterozygotes. Clinical features observed: Angioedema (HP:0100665), C1 esterase inhibitor deficiency.
Comment: The pathogenic or likely pathogenic SERPING1 gene variants are detected in >90% of the HAE1/2 families and in >80% of the total HAE families (e.g., DOI: 10.1016/j.molimm.2008.05.007, 10.1159/2F000138883, 10.1016/j.molimm.2011.07.010). The same variant has previously been reported in 2 HAE1/2 cases with an unknown HAE history (DOI: 10.1159/000138883, 10.1002/humu.23917). According to our observation the c.868_870del variant in SERPING1 meets ACMG/ClinGen SVI guidance criteria to be classified as pathogenic: PP4_Str, PS4_Mod, PM4, PM2_Sup, PP1

Literature cited by the submitters: DOI 10.1159/000138883; DOI 10.1002/humu.23917.